The following is an entry in ClinVar:

NM_004517.4(ILK):c.1228C>T (p.Arg410Trp)

Genes: TAF10 (TATA-box binding protein associated factor 10; minus strand), ILK (integrin linked kinase; plus strand). Cytogenetic location: 11p15.4.
Variant type: single nucleotide variant.
Coding change: c.1228C>T on transcript NM_004517.4 (MANE Select); coding-DNA position 1228, C replaced by T.
Protein change: p.Arg410Trp; replaces arginine 410 with tryptophan.
Molecular consequence: missense variant. On other transcripts: 3 prime UTR variant (1).
Genome position (GRCh38, 1-based): chr11:6,610,480, C>T. VCF-style: chr11-6610480-C-T. GRCh37 (hg19) VCF-style: chr11-6631711-C-T.
Other names: c.1228C>T, p.Arg410Trp (NM_001014794.3, NM_001014795.3); c.1045C>T, p.Arg349Trp (NM_001278441.2); c.826C>T, p.Arg276Trp (NM_001278442.2); c.*442G>A (NM_006284.4); short protein forms R276W, R349W, R410W.
Identifiers: ClinVar variation 2917244 (VCV002917244.3), dbSNP rs778453343, ClinGen allele CA5858341.

ClinVar aggregate classification (germline): Uncertain significance (1 of 4 stars; one submission).

Conditions:
Primary familial hypertrophic cardiomyopathy (HCM). Identifiers: Orphanet 99739, MedGen C0949658, MeSH D024741, MONDO:0024573. Inheritance: Various modes of inheritance.

Allele frequency attached by ClinVar (database versions not stated): gnomAD exomes 0.00001; ExAC 0.00002.
gnomAD v4.1: 13 of 1,614,222 alleles (0.00081%); highest among the groups gnomAD compares: African/African-American, 0.0013%; no homozygotes.

Submission:

Labcorp Genetics (formerly Invitae), Labcorp
Classification: Uncertain significance for Primary familial hypertrophic cardiomyopathy. Last evaluated: 2023-06-21. Review status: criteria provided, single submitter. Criteria: Invitae Variant Classification Sherloc (09022015). Collection method: clinical testing. Allele origin: germline.
Comment: This sequence change replaces arginine, which is basic and polar, with tryptophan, which is neutral and slightly polar, at codon 410 of the ILK protein (p.Arg410Trp). This variant is present in population databases (rs778453343, gnomAD 0.003%). This variant has not been reported in the literature in individuals affected with ILK-related conditions. An algorithm developed to predict the effect of missense changes on protein structure and function (PolyPhen-2) suggests that this variant is likely to be disruptive. In summary, the available evidence is currently insufficient to determine the role of this variant in disease. Therefore, it has been classified as a Variant of Uncertain Significance.